The following is an entry in ClinVar:

ClinVar aggregate classification (germline): Uncertain significance (1 of 4 stars; one submission).

Conditions:
Inborn genetic diseases. Identifiers: MedGen C0950123, MeSH D030342.

Submission:

Ambry Genetics
Classification: Uncertain significance for Inborn genetic diseases. Last evaluated: 2025-05-05. Review status: criteria provided, single submitter. Criteria: Ambry Variant Classification Scheme 2023. Collection method: clinical testing. Allele origin: germline.
Comment: The p.N423K variant (also known as c.1269T>G), located in coding exon 12 of the ASXL1 gene, results from a T to G substitution at nucleotide position 1269. The asparagine at codon 423 is replaced by lysine, an amino acid with similar properties. This amino acid position is conserved. In addition, this alteration is predicted to be tolerated by in silico analysis. Based on the available evidence, the clinical significance of this variant remains unclear.

NM_015338.6(ASXL1):c.1269T>G (p.Asn423Lys)

Gene: ASXL1 (ASXL transcriptional regulator 1; plus strand). Cytogenetic location: 20q11.21.
Variant type: single nucleotide variant.
Coding change: c.1269T>G on transcript NM_015338.6 (MANE Select); coding-DNA position 1269, T replaced by G.
Protein change: p.Asn423Lys; replaces asparagine 423 with lysine.
Molecular consequence: missense variant.
Genome position (GRCh38, 1-based): chr20:32,433,467, T>G. VCF-style: chr20-32433467-T-G. GRCh37 (hg19) VCF-style: chr20-31021270-T-G.
Other names: c.1086T>G, p.Asn362Lys (NM_001363734.1); short protein forms N423K, N362K.
Identifiers: ClinVar variation 3956634 (VCV003956634.1).